The following is an entry in ClinVar:

ClinVar aggregate classification (germline): Uncertain significance (1 of 4 stars; one submission).

Submission:

Ambry Genetics
Classification: Uncertain significance. Last evaluated: 2022-12-23. Review status: criteria provided, single submitter. Criteria: Ambry Variant Classification Scheme 2023. Collection method: clinical testing. Allele origin: germline.
Comment: The p.I489T variant (also known as c.1466T>C), located in coding exon 12 of the RECQL gene, results from a T to C substitution at nucleotide position 1466. The isoleucine at codon 489 is replaced by threonine, an amino acid with similar properties. This amino acid position is conserved. In addition, the in silico prediction for this alteration is inconclusive. Since supporting evidence is limited at this time, the clinical significance of this alteration remains unclear.

NM_002907.4(RECQL):c.1466T>C (p.Ile489Thr)

Gene: RECQL (RecQ like helicase; minus strand). Cytogenetic location: 12p12.1.
Variant type: single nucleotide variant.
Coding change: c.1466T>C on transcript NM_002907.4 (MANE Select); coding-DNA position 1466, T replaced by C.
Protein change: p.Ile489Thr; replaces isoleucine 489 with threonine.
Molecular consequence: missense variant.
Genome position (GRCh38, 1-based): chr12:21,471,629, A>G on the plus strand (T>C on the coding strand, the complement: RECQL is on the minus strand). VCF-style: chr12-21471629-A-G. GRCh37 (hg19) VCF-style: chr12-21624563-A-G.
Other names: c.1466T>C, p.Ile489Thr (NM_032941.3); short protein forms I489T.
Identifiers: ClinVar variation 2450969 (VCV002450969.2), dbSNP rs2540322690, ClinGen allele CA384116360.